The following is an entry in ClinVar:

NM_173354.5(SIK1):c.1904C>T (p.Pro635Leu)

Gene: SIK1 (salt inducible kinase 1; minus strand). Cytogenetic location: 21q22.3.
Variant type: single nucleotide variant.
Coding change: c.1904C>T on transcript NM_173354.5 (MANE Select); coding-DNA position 1904, C replaced by T.
Protein change: p.Pro635Leu; replaces proline 635 with leucine.
Molecular consequence: missense variant.
Genome position (GRCh38, 1-based): chr21:43,417,615, G>A on the plus strand (C>T on the coding strand, the complement: SIK1 is on the minus strand). VCF-style: chr21-43417615-G-A. GRCh37 (hg19) VCF-style: chr21-44837495-G-A.
Other names: short protein forms P635L.
Identifiers: ClinVar variation 1030318 (VCV001030318.10), dbSNP rs779904079, ClinGen allele CA321324847.

ClinVar aggregate classification (germline): Uncertain significance. Review status: criteria provided, multiple submitters, no conflicts (2 of 4 stars). 3 submissions from 3 submitters: Uncertain significance (3). Last evaluated 2023-12-21.

Conditions:
Inborn genetic diseases. Identifiers: MedGen C0950123, MeSH D030342.
Developmental and epileptic encephalopathy, 30 (DEE30). Also called: Epileptic encephalopathy, early infantile, 30. Identifiers: MedGen C4225360, MONDO:0014595, OMIM 616341.

Submissions (3):

Labcorp Genetics (formerly Invitae), Labcorp
Classification: Uncertain significance for Developmental and epileptic encephalopathy, 30. Last evaluated: 2023-12-21. Review status: criteria provided, single submitter. Criteria: Invitae Variant Classification Sherloc (09022015). Collection method: clinical testing. Allele origin: germline.
Comment: This sequence change replaces proline, which is neutral and non-polar, with leucine, which is neutral and non-polar, at codon 635 of the SIK1 protein (p.Pro635Leu). This variant is present in population databases (rs779904079, gnomAD 0.005%). This variant has not been reported in the literature in individuals affected with SIK1-related conditions. ClinVar contains an entry for this variant (Variation ID: 1030318). Advanced modeling of protein sequence and biophysical properties (such as structural, functional, and spatial information, amino acid conservation, physicochemical variation, residue mobility, and thermodynamic stability) performed at Invitae indicates that this missense variant is not expected to disrupt SIK1 protein function with a negative predictive value of 95%. In summary, the available evidence is currently insufficient to determine the role of this variant in disease. Therefore, it has been classified as a Variant of Uncertain Significance.

Ambry Genetics
Classification: Uncertain significance for Inborn genetic diseases. Last evaluated: 2021-07-09. Review status: criteria provided, single submitter. Criteria: Ambry Variant Classification Scheme 2023. Collection method: clinical testing. Allele origin: germline.

Baylor Genetics
Classification: Uncertain significance for Developmental and epileptic encephalopathy, 30. Last evaluated: 2019-08-01. Review status: criteria provided, single submitter. Criteria: ACMG Guidelines, 2015. Collection method: clinical testing. Allele origin: unknown. Affected: yes.
Comment: This variant was determined to be of uncertain significance according to ACMG Guidelines, 2015 [PMID:25741868].